The following is an entry in ClinVar:

NM_005908.4(MANBA):c.1097G>A (p.Arg366Gln)

Gene: MANBA (mannosidase beta; minus strand). Cytogenetic location: 4q24.
Variant type: single nucleotide variant.
Coding change: c.1097G>A on transcript NM_005908.4 (MANE Select); coding-DNA position 1097, G replaced by A.
Protein change: p.Arg366Gln; replaces arginine 366 with glutamine.
Molecular consequence: missense variant.
Genome position (GRCh38, 1-based): chr4:102,673,934, C>T on the plus strand (G>A on the coding strand, the complement: MANBA is on the minus strand). VCF-style: chr4-102673934-C-T. GRCh37 (hg19) VCF-style: chr4-103595091-C-T.
Other names: NC_000004.11:g.103595091C>T; c.1097G>A (NM_005908.3); short protein forms R366Q.
Identifiers: ClinVar variation 4300986 (VCV004300986.2).

ClinVar aggregate classification (germline): Uncertain significance (1 of 4 stars; one submission).

gnomAD v4.1: 39 of 1,610,738 alleles (0.0024%); highest among the groups gnomAD compares: East Asian, 0.0089%; no homozygotes.

Submissions (2):

GeneDx
Classification: Uncertain significance. Last evaluated: 2026-03-31. Review status: criteria provided, single submitter. Criteria: GeneDx Variant Classification Process June 2021. Collection method: clinical testing. Allele origin: germline.
Comment: Not observed at significant frequency in large population cohorts (gnomAD); In silico analysis suggests that this missense variant does not alter protein structure/function; Has not been previously published as pathogenic or benign to our knowledge

Dr. Peter K. Rogan Lab, Western University
No classification provided (evidence only). Condition: Acute myeloid leukemia. Review status: no classification provided. Collection method: in vitro. Allele origin: not applicable. Functional consequence: retained intron. Not counted in ClinVar's aggregate classification.